The following is an entry in ClinVar:

NM_174936.4(PCSK9):c.115G>A (p.Glu39Lys)

Gene: PCSK9 (proprotein convertase subtilisin/kexin type 9; plus strand). Cytogenetic location: 1p32.3.
Variant type: single nucleotide variant.
Coding change: c.115G>A on transcript NM_174936.4 (MANE Select); coding-DNA position 115, G replaced by A.
Protein change: p.Glu39Lys; replaces glutamic acid 39 with lysine.
Molecular consequence: missense variant.
Genome position (GRCh38, 1-based): chr1:55,039,952, G>A. VCF-style: chr1-55039952-G-A. GRCh37 (hg19) VCF-style: chr1-55505625-G-A.
Other names: short protein forms E39K.
Identifiers: ClinVar variation 921571 (VCV000921571.14), dbSNP rs781590513, ClinGen allele CA035375.

ClinVar aggregate classification (germline): Uncertain significance. Review status: criteria provided, multiple submitters, no conflicts (2 of 4 stars). 2 submissions from 2 submitters: Uncertain significance (2). Last evaluated 2024-03-06.

Conditions:
Familial hypercholesterolemia. Also called: Familial hypercholesterolemias; Familial hypercholesterolaemia. Identifiers: MedGen C0020445, MONDO:0005439.
Hypercholesterolemia, autosomal dominant, 3 (FHCL3). Also called: Familial hypercholesterolemia 3; Familial Hypercholesterolemia, Autosomal Dominant, 3; PCSK9-Related Familial Hypercholesterolemia, Autosomal Dominant. Identifiers: MedGen C1863551, MONDO:0011369, OMIM 603776.

Allele frequency attached by ClinVar (database versions not stated): ExAC below 0.00001; gnomAD exomes below 0.00001.
gnomAD v4.1: 1 of 1,576,144 alleles (0.000063%); highest among the groups gnomAD compares: South Asian, 0.0012%; no homozygotes.

Submissions (2):

Color Diagnostics, LLC DBA Color Health
Classification: Uncertain significance for Familial hypercholesterolemia. Last evaluated: 2024-03-06. Review status: criteria provided, single submitter. Criteria: ACMG Guidelines, 2015. Collection method: clinical testing. Allele origin: germline.
Comment: This missense variant replaces glutamic acid with lysine at codon 39 of the PCSK9 protein. Computational prediction suggests that this variant may have deleterious impact on protein structure and function (internally defined REVEL score threshold >= 0.7, PMID: 27666373). Splice site prediction tools suggest that this variant may not impact RNA splicing. To our knowledge, functional studies have not been reported for this variant. This variant has been reported in 1 family with familial hypercholesterolemia (Muiya 2009). This variant has not been identified in the general population by the Genome Aggregation Database (gnomAD). The available evidence is insufficient to determine the role of this variant in disease conclusively. Therefore, this variant is classified as a Variant of Uncertain Significance.

Labcorp Genetics (formerly Invitae), Labcorp
Classification: Uncertain significance for Hypercholesterolemia, autosomal dominant, 3. Last evaluated: 2020-12-23. Review status: criteria provided, single submitter. Criteria: Invitae Variant Classification Sherloc (09022015). Collection method: clinical testing. Allele origin: germline.
Comment: In summary, the available evidence is currently insufficient to determine the role of this variant in disease. Therefore, it has been classified as a Variant of Uncertain Significance. Advanced modeling of protein sequence and biophysical properties (such as structural, functional, and spatial information, amino acid conservation, physicochemical variation, residue mobility, and thermodynamic stability) performed at Invitae indicates that this missense variant is not expected to disrupt PCSK9 protein function. This variant has not been reported in the literature in individuals with PCSK9-related conditions. ClinVar contains an entry for this variant (Variation ID: 921571). The frequency data for this variant in the population databases is considered unreliable, as metrics indicate poor data quality at this position in the ExAC database. This sequence change replaces glutamic acid with lysine at codon 39 of the PCSK9 protein (p.Glu39Lys). The glutamic acid residue is moderately conserved and there is a small physicochemical difference between glutamic acid and lysine.